The following is an entry in ClinVar:

NM_001292034.3(TAB2):c.1294T>C (p.Phe432Leu)

Genes: TAB2 (TGF-beta activated kinase 1 (MAP3K7) binding protein 2; plus strand), LOC126859827 (BRD4-independent group 4 enhancer GRCh37_chr6:149699707-149700906; plus strand). Cytogenetic location: 6q25.1.
Variant type: single nucleotide variant.
Coding change: c.1294T>C on transcript NM_001292034.3 (MANE Select); coding-DNA position 1294, T replaced by C.
Protein change: p.Phe432Leu; replaces phenylalanine 432 with leucine.
Molecular consequence: missense variant.
Genome position (GRCh38, 1-based): chr6:149,379,209, T>C. VCF-style: chr6-149379209-T-C. GRCh37 (hg19) VCF-style: chr6-149700345-T-C.
Other names: c.1198T>C, p.Phe400Leu (NM_001292035.3); c.1294T>C, p.Phe432Leu (NM_001369506.1, NM_015093.6); short protein forms F432L, F400L.
Identifiers: ClinVar variation 4991765 (VCV004991765.1).

ClinVar aggregate classification (germline): Uncertain significance (1 of 4 stars; one submission).

Conditions:
TAB2-related disorder.

gnomAD v4.1: 1 of 1,614,204 alleles (0.000062%); highest among the groups gnomAD compares: Non-Finnish European, 0.000085%; no homozygotes.

Submission:

PreventionGenetics, part of Exact Sciences
Classification: Uncertain significance for TAB2-related condition. Last evaluated: 2025-09-26. Review status: criteria provided, single submitter. Criteria: ACMG Guidelines, 2015. Collection method: clinical testing. Allele origin: germline.
Comment: The TAB2 c.1294T>C variant is predicted to result in the amino acid substitution p.Phe432Leu. To our knowledge, this variant has not been reported in the literature or in a large population database (gnomAD), indicating this variant is rare. At this time, the clinical significance of this variant is uncertain due to the absence of conclusive functional and genetic evidence.